The following is an entry in ClinVar:

NM_001048174.2(MUTYH):c.1066G>A (p.Gly356Arg)

Gene: MUTYH (mutY DNA glycosylase; minus strand). Cytogenetic location: 1p34.1.
Variant type: single nucleotide variant.
Coding change: c.1066G>A on transcript NM_001048174.2 (MANE Select); coding-DNA position 1066, G replaced by A.
Protein change: p.Gly356Arg; replaces glycine 356 with arginine.
Molecular consequence: missense variant. On other transcripts: non-coding transcript variant (7).
Genome position (GRCh38, 1-based): chr1:45,331,697, C>T on the plus strand (G>A on the coding strand, the complement: MUTYH is on the minus strand). VCF-style: chr1-45331697-C-T. GRCh37 (hg19) VCF-style: chr1-45797369-C-T.
Other names: c.1066G>A, p.Gly356Arg (NM_001407070.1, NM_001407072.1, NM_001407073.1 and 6 more transcripts); c.1069G>A, p.Gly357Arg (NM_001407071.1, NM_001407078.1, NM_001048172.2 and 1 more transcripts); c.982G>A, p.Gly328Arg (NM_001407075.1); c.1099G>A, p.Gly367Arg (NM_001407077.1, NM_001293191.2, NM_001407069.1); c.1027G>A, p.Gly343Arg (NM_001407079.1); c.1024G>A, p.Gly342Arg (NM_001407080.1); c.1150G>A, p.Gly384Arg (NM_001128425.2); c.1111G>A, p.Gly371Arg (NM_001293190.2); and 5 more; short protein forms G264R, G356R, G367R, G381R, G241R, G342R, G370R, G384R.
Identifiers: ClinVar variation 2837718 (VCV002837718.3), dbSNP rs2523994477, ClinGen allele CA340133384.

ClinVar aggregate classification (germline): Uncertain significance (1 of 4 stars; one submission).

Conditions:
Familial adenomatous polyposis 2. Also called: COLORECTAL ADENOMATOUS POLYPOSIS, AUTOSOMAL RECESSIVE; ADENOMAS, MULTIPLE COLORECTAL, AUTOSOMAL RECESSIVE; MUTYH-related attenuated familial adenomatous polyposis; MUTYH-associated polyposis; MYH-associated polyposis; MUTYH Polyposis. Identifiers: Orphanet 220460, Orphanet 247798, MedGen C3272841, MONDO:0012041, OMIM 608456.

Allele frequency attached by ClinVar (database versions not stated): gnomAD exomes below 0.00001.

Submission:

Labcorp Genetics (formerly Invitae), Labcorp
Classification: Uncertain significance for Familial adenomatous polyposis 2. Last evaluated: 2023-04-15. Review status: criteria provided, single submitter. Criteria: Invitae Variant Classification Sherloc (09022015). Collection method: clinical testing. Allele origin: germline.
Comment: In summary, the available evidence is currently insufficient to determine the role of this variant in disease. Therefore, it has been classified as a Variant of Uncertain Significance. An algorithm developed to predict the effect of missense changes on protein structure and function (PolyPhen-2) suggests that this variant is likely to be tolerated. This variant has not been reported in the literature in individuals affected with MUTYH-related conditions. This variant is not present in population databases (gnomAD no frequency). This sequence change replaces glycine, which is neutral and non-polar, with arginine, which is basic and polar, at codon 384 of the MUTYH protein (p.Gly384Arg).